The following is an entry in ClinVar:

NM_022065.5(THADA):c.4351C>T (p.Pro1451Ser)

Gene: THADA (THADA armadillo repeat containing; minus strand). Cytogenetic location: 2p21.
Variant type: single nucleotide variant.
Coding change: c.4351C>T on transcript NM_022065.5 (MANE Select); coding-DNA position 4351, C replaced by T.
Protein change: p.Pro1451Ser; replaces proline 1451 with serine.
Molecular consequence: missense variant. On other transcripts: non-coding transcript variant (2).
Genome position (GRCh38, 1-based): chr2:43,320,533, G>A on the plus strand (C>T on the coding strand, the complement: THADA is on the minus strand). VCF-style: chr2-43320533-G-A. GRCh37 (hg19) VCF-style: chr2-43547672-G-A.
Other names: c.4351C>T, p.Pro1451Ser (NM_001083953.2, NM_001345925.2); c.4348C>T, p.Pro1450Ser (NM_001345923.2); c.4228C>T, p.Pro1410Ser (NM_001345924.2); c.4351C>T (NM_001083953.1); short protein forms P1410S, P1450S, P1451S.
Identifiers: ClinVar variation 770338 (VCV000770338.6), dbSNP rs17334247, ClinGen allele CA1632236.

ClinVar aggregate classification (germline): Benign. Review status: criteria provided, multiple submitters, no conflicts (2 of 4 stars). 3 submissions from 3 submitters: Benign (2). 1 of the submissions does not count toward it. Last evaluated 2018-01-31.

Conditions:
THADA-related disorder. Also called: THADA-related condition.

Allele frequency attached by ClinVar (database versions not stated): 1000 Genomes Project 0.00419; 1000 Genomes Project 30x 0.00422; gnomAD 0.00662; TOPMed 0.00685; gnomAD exomes 0.00886; ExAC 0.00956; ESP Exome Variant Server 0.01009.
gnomAD v4.1: 17,410 of 1,611,318 alleles (1.1%); highest among the groups gnomAD compares: South Asian, 1.6%; 133 homozygotes.

Submissions (3):

Labcorp Genetics (formerly Invitae), Labcorp
Classification: Benign. Last evaluated: 2018-01-31. Review status: criteria provided, single submitter. Criteria: Invitae Variant Classification Sherloc (09022015). Collection method: clinical testing. Allele origin: germline.

Breakthrough Genomics
Classification: Benign. Review status: criteria provided, single submitter. Criteria: ACMG Guidelines, 2015. Collection method: not provided. Allele origin: germline. Inheritance: Unknown mechanism. Affected: yes.

PreventionGenetics, part of Exact Sciences
Classification: Benign for THADA-related condition. Last evaluated: 2019-02-18. Review status: no assertion criteria provided. Collection method: clinical testing. Allele origin: germline. Not counted in ClinVar's aggregate classification.
Comment: This variant is classified as benign based on ACMG/AMP sequence variant interpretation guidelines (Richards et al. 2015 PMID: 25741868, with internal and published modifications).